The following is an entry in ClinVar:

ClinVar aggregate classification (germline): Pathogenic (1 of 4 stars; one submission).

Submission:

GeneDx
Classification: Pathogenic. Last evaluated: 2016-01-07. Review status: criteria provided, single submitter. Criteria: GeneDx Variant Classification (06012015). Collection method: clinical testing. Allele origin: germline. Affected: yes.
Comment: The c.2068-2A>T pathogenic variant in the SPG11 gene has not been reported previously as a pathogenic variant nor as a benign variant, to our knowledge. This splice site variant destroys the canonical splice acceptor site in intron 10. It is predicted to cause abnormal gene splicing, either leading to an abnormal message that is subject to nonsense-mediated mRNA decay, or to an abnormal protein product if the message is used for protein translation. The c.2068-2A>T variant was not observed in approximately 6,500 individuals of European and African American ancestry in the NHLBI Exome Sequencing Project, indicating it is not a common benign variant in these populations. We interpret c.2068-2A>T as a pathogenic variant.

NM_025137.4(SPG11):c.2068-2A>T

Gene: SPG11 (SPG11 vesicle trafficking associated, spatacsin; minus strand). Cytogenetic location: 15q21.1.
Variant type: single nucleotide variant.
Coding change: c.2068-2A>T on transcript NM_025137.4 (MANE Select); the canonical splice acceptor site of the intron before coding-DNA position 2068, A replaced by T.
Molecular consequence: splice acceptor variant.
Genome position (GRCh38, 1-based): chr15:44,626,509, T>A on the plus strand (A>T on the coding strand, the complement: SPG11 is on the minus strand). VCF-style: chr15-44626509-T-A. GRCh37 (hg19) VCF-style: chr15-44918707-T-A.
Other names: c.2068-2A>T (NM_001411132.1, NM_001160227.2).
Identifiers: ClinVar variation 449649 (VCV000449649.2), dbSNP rs1555456457, ClinGen allele CA392234032.